The following is an entry in ClinVar:

ClinVar aggregate classification (germline): Benign. Review status: criteria provided, multiple submitters, no conflicts (2 of 4 stars). 3 submissions from 3 submitters: Benign (3). Last evaluated 2026-02-01.

Allele frequency attached by ClinVar (database versions not stated): ExAC 0.00175; ESP Exome Variant Server 0.00638; TOPMed 0.00599; 1000 Genomes Project 0.00639; 1000 Genomes Project 30x 0.00671.
gnomAD v4.1: 1,546 of 1,613,478 alleles (0.096%); highest among the groups gnomAD compares: African/African-American, 1.9%; 14 homozygotes.

Submissions (3):

Labcorp Genetics (formerly Invitae), Labcorp
Classification: Benign. Last evaluated: 2026-02-01. Review status: criteria provided, single submitter. Criteria: Invitae Variant Classification Sherloc (09022015). Collection method: clinical testing. Allele origin: germline.

Mayo Clinic Laboratories, Mayo Clinic
Classification: Benign. Last evaluated: 2024-04-18. Review status: criteria provided, single submitter. Criteria: ACMG Guidelines, 2015. Collection method: clinical testing. Allele origin: germline. Observed: 3 variant alleles.
Comment: BS1, BS2, BP4, BP7

Breakthrough Genomics
Classification: Benign. Review status: criteria provided, single submitter. Criteria: ACMG Guidelines, 2015. Collection method: not provided. Allele origin: germline. Inheritance: Autosomal recessive inheritance. Affected: yes.

NM_024420.3(PLA2G4A):c.1380T>C (p.Asn460=)

Gene: PLA2G4A (phospholipase A2 group IVA; plus strand). Cytogenetic location: 1q31.1.
Variant type: single nucleotide variant.
Coding change: c.1380T>C on transcript NM_024420.3 (MANE Select); coding-DNA position 1380, T replaced by C.
Protein change: p.Asn460=; no amino-acid change (asparagine 460 retained).
Molecular consequence: synonymous variant.
Genome position (GRCh38, 1-based): chr1:186,956,145, T>C. VCF-style: chr1-186956145-T-C. GRCh37 (hg19) VCF-style: chr1-186925277-T-C.
Other names: p.Asn460=; c.1200T>C, p.Asn400= (NM_001311193.2).
Identifiers: ClinVar variation 767738 (VCV000767738.11), dbSNP rs73051096, ClinGen allele CA1300219.
Genomic context (GRCh38, chr1:186,956,145, plus strand): 5'-CTTTTATTTTTCCCTAGGCACTGAAAATGAAGATGCTGGAAGTGACTATCAAAGTGATAA[T>C]CAAGCAAGTTGGATTCATCGTATGATAATGGCCTTGGTGAGTGATTCAGCTTTATTCAAT-3'
Protein context (NP_077734.2, residues 450-470): EDAGSDYQSD[Asn460=]QASWIHRMIM